The following is an entry in ClinVar:

NM_001256789.3(CACNA1F):c.5868G>C (p.Leu1956Phe)

Gene: CACNA1F (calcium voltage-gated channel subunit alpha1 F; minus strand). Cytogenetic location: Xp11.23.
Variant type: single nucleotide variant.
Coding change: c.5868G>C on transcript NM_001256789.3 (MANE Select); coding-DNA position 5868, G replaced by C.
Protein change: p.Leu1956Phe; replaces leucine 1956 with phenylalanine.
Molecular consequence: missense variant.
Genome position (GRCh38, 1-based): chrX:49,205,170, C>G on the plus strand (G>C on the coding strand, the complement: CACNA1F is on the minus strand). VCF-style: chrX-49205170-C-G. GRCh37 (hg19) VCF-style: chrX-49061630-C-G.
Other names: c.5706G>C, p.Leu1902Phe (NM_001256790.3); c.5901G>C, p.Leu1967Phe (NM_005183.4); short protein forms L1967F, L1902F, L1956F.
Identifiers: ClinVar variation 4734879 (VCV004734879.1).

ClinVar aggregate classification (germline): Uncertain significance (1 of 4 stars; one submission).

gnomAD v4.1: 1 of 1,211,052 alleles (0.000083%); highest among the groups gnomAD compares: Non-Finnish European, 0.00011%; no homozygotes.

Submission:

Labcorp Genetics (formerly Invitae), Labcorp
Classification: Uncertain significance. Last evaluated: 2026-01-12. Review status: criteria provided, single submitter. Criteria: Invitae Variant Classification Sherloc (09022015). Collection method: clinical testing. Allele origin: germline.
Comment: This sequence change replaces leucine, which is neutral and non-polar, with phenylalanine, which is neutral and non-polar, at codon 1967 of the CACNA1F protein (p.Leu1967Phe). This variant is not present in population databases (gnomAD no frequency). This variant has not been reported in the literature in individuals affected with CACNA1F-related conditions. An algorithm developed to predict the effect of missense changes on protein structure and function (PolyPhen-2) suggests that this variant is likely to be disruptive. In summary, the available evidence is currently insufficient to determine the role of this variant in disease. Therefore, it has been classified as a Variant of Uncertain Significance.